The following is an entry in ClinVar:

NM_012470.4(TNPO3):c.2177A>T (p.Gln726Leu)

Gene: TNPO3 (transportin 3; minus strand). Cytogenetic location: 7q32.1.
Variant type: single nucleotide variant.
Coding change: c.2177A>T on transcript NM_012470.4 (MANE Select); coding-DNA position 2177, A replaced by T.
Protein change: p.Gln726Leu; replaces glutamine 726 with leucine.
Molecular consequence: missense variant. On other transcripts: non-coding transcript variant (18).
Genome position (GRCh38, 1-based): chr7:128,975,820, T>A on the plus strand (A>T on the coding strand, the complement: TNPO3 is on the minus strand). VCF-style: chr7-128975820-T-A. GRCh37 (hg19) VCF-style: chr7-128615874-T-A.
Other names: c.2033A>T, p.Gln678Leu (NM_001382221.1); c.2030A>T, p.Gln677Leu (NM_001382222.1); c.1985A>T, p.Gln662Leu (NM_001382223.1, NM_001191028.3); c.2279A>T, p.Gln760Leu (NM_001382216.1); c.2258A>T, p.Gln753Leu (NM_001382217.1); c.2177A>T, p.Gln726Leu (NM_001382218.1); c.2069A>T, p.Gln690Leu (NM_001382219.1); c.2036A>T, p.Gln679Leu (NM_001382220.1); short protein forms Q677L, Q678L, Q760L, Q690L, Q662L, Q679L, Q726L, Q753L.
Identifiers: ClinVar variation 2702283 (VCV002702283.3), dbSNP rs1357424657, ClinGen allele CA369217835.
Genomic context (GRCh38, chr7:128,975,820, plus strand): 5'-CTGCTAGGCCTTCAGACCCTCTAGGCCTGATGCGTCTACACTCCTCATGGAAAAGATACC[T>A]GGAGCATGTCTAGCAGTCCCTGCCGACAGCCTTCTTCCATGCCATATTCATCCACAAGGA-3'
Protein context (NP_036602.1, residues 716-736): GCRQGLLDML[Gln726Leu]ALCIPTFQLL

ClinVar aggregate classification (germline): Uncertain significance (1 of 4 stars; one submission).

Conditions:
Autosomal dominant limb-girdle muscular dystrophy type 1F (LGMDD2). Also called: Limb-girdle muscular dystrophy, type 1F; MUSCULAR DYSTROPHY, LIMB-GIRDLE, AUTOSOMAL DOMINANT 2. Identifiers: Orphanet 55595, MedGen C1842062, MONDO:0012034, OMIM 608423.

gnomAD v4.1: 1 of 1,605,524 alleles (0.000062%); highest among the groups gnomAD compares: Non-Finnish European, 0.000085%; no homozygotes.

Submission:

Labcorp Genetics (formerly Invitae), Labcorp
Classification: Uncertain significance for Autosomal dominant limb-girdle muscular dystrophy type 1F. Last evaluated: 2024-02-07. Review status: criteria provided, single submitter. Criteria: Invitae Variant Classification Sherloc (09022015). Collection method: clinical testing. Allele origin: germline.
Comment: This sequence change replaces glutamine, which is neutral and polar, with leucine, which is neutral and non-polar, at codon 726 of the TNPO3 protein (p.Gln726Leu). This variant is not present in population databases (gnomAD no frequency). This variant has not been reported in the literature in individuals affected with TNPO3-related conditions. An algorithm developed to predict the effect of missense changes on protein structure and function (PolyPhen-2) suggests that this variant is likely to be tolerated. Algorithms developed to predict the effect of sequence changes on RNA splicing suggest that this variant may disrupt the consensus splice site. In summary, the available evidence is currently insufficient to determine the role of this variant in disease. Therefore, it has been classified as a Variant of Uncertain Significance.